The following is an entry in ClinVar:

ClinVar aggregate classification (germline): Uncertain significance (1 of 4 stars; one submission).

Submission:

Centre for Mendelian Genomics, University Medical Centre Ljubljana
Classification: Uncertain significance. Last evaluated: 2018-11-05. Review status: criteria provided, single submitter. Criteria: ACMG Guidelines, 2015. Collection method: clinical testing. Allele origin: unknown. Affected: yes.
Comment: This variant was classified as: Uncertain significance. The available evidence on this variant's pathogenicity is insufficient or conflicting. The following ACMG criteria were applied in classifying this variant: PM2,PP3. This variant was detected in homozygous state.

NM_001008537.3(NEXMIF):c.4476C>G (p.Leu1492=)

Gene: NEXMIF (neurite extension and migration factor; minus strand). Cytogenetic location: Xq13.3.
Variant type: single nucleotide variant.
Coding change: c.4476C>G on transcript NM_001008537.3 (MANE Select); coding-DNA position 4476, C replaced by G.
Protein change: p.Leu1492=; no amino-acid change (leucine 1492 retained).
Molecular consequence: synonymous variant.
Genome position (GRCh38, 1-based): chrX:74,739,480, G>C on the plus strand (C>G on the coding strand, the complement: NEXMIF is on the minus strand). VCF-style: chrX-74739480-G-C. GRCh37 (hg19) VCF-style: chrX-73959315-G-C.
Identifiers: ClinVar variation 931854 (VCV000931854.3), dbSNP rs2080094874, ClinGen allele CA517261954.
Genomic context (GRCh38, chrX:74,739,480, plus strand): 5'-GAAAATGCGAGTCTCTTCTTCAAACACAGGTAAAACCCAAAAGGTTGTTTCTGCTTTTAG[G>C]AGATTGTAGTCGGAATCCCTGCAGAAAAATCAAACAATTTATGCCATCTGAGTTAGTTTT-3'
Protein context (NP_001008537.1, residues 1482-1502): FEKLRDSDYN[Leu1492=]LKAETTFWVL